The following is an entry in ClinVar:

NM_018076.5(ODAD2):c.1386+4A>G

Gene: ODAD2 (outer dynein arm docking complex subunit 2; minus strand). Cytogenetic location: 10p12.1.
Variant type: single nucleotide variant.
Coding change: c.1386+4A>G on transcript NM_018076.5 (MANE Select); 4 bases into the intron after coding-DNA position 1386, A replaced by G.
Molecular consequence: intron variant.
Genome position (GRCh38, 1-based): chr10:27,961,564, T>C on the plus strand (A>G on the coding strand, the complement: ODAD2 is on the minus strand). VCF-style: chr10-27961564-T-C. GRCh37 (hg19) VCF-style: chr10-28250493-T-C.
Other names: c.1386+4A>G (NM_001290020.2); c.462+4A>G (NM_001312689.2); c.-40+4A>G (NM_001290021.2).
Identifiers: ClinVar variation 412241 (VCV000412241.5), dbSNP rs199776339, ClinGen allele CA5453572.

ClinVar aggregate classification (germline): Uncertain significance (1 of 4 stars; one submission).

Conditions:
Primary ciliary dyskinesia 23 (CILD23). Also called: CILIARY DYSKINESIA, PRIMARY, 23, WITH OR WITHOUT SITUS INVERSUS. Identifiers: Orphanet 244, MedGen C3809548, MONDO:0014193, OMIM 615451.

Allele frequency attached by ClinVar (database versions not stated): gnomAD 0.00001 and 0.00006; TOPMed 0.00006; gnomAD exomes 0.00007 and 0.00011; ExAC 0.00012; 1000 Genomes Project 30x 0.00016; 1000 Genomes Project 0.00020.
gnomAD v4.1: 128 of 1,609,896 alleles (0.008%); highest among the groups gnomAD compares: East Asian, 0.13%; no homozygotes.

Submission:

Labcorp Genetics (formerly Invitae), Labcorp
Classification: Uncertain significance for Primary ciliary dyskinesia 23. Last evaluated: 2024-12-13. Review status: criteria provided, single submitter. Criteria: Invitae Variant Classification Sherloc (09022015). Collection method: clinical testing. Allele origin: germline.
Comment: This sequence change falls in intron 10 of the ARMC4 gene. It does not directly change the encoded amino acid sequence of the ARMC4 protein. It affects a nucleotide within the consensus splice site. This variant is present in population databases (rs199776339, gnomAD 0.1%). This variant has not been reported in the literature in individuals affected with ARMC4-related conditions. ClinVar contains an entry for this variant (Variation ID: 412241). Variants that disrupt the consensus splice site are a relatively common cause of aberrant splicing (PMID: 17576681, 9536098). Algorithms developed to predict the effect of sequence changes on RNA splicing suggest that this variant is not likely to affect RNA splicing. In summary, the available evidence is currently insufficient to determine the role of this variant in disease. Therefore, it has been classified as a Variant of Uncertain Significance.

Literature cited by the submitters: PubMed 17576681; PubMed 9536098.